The following is an entry in ClinVar:

ClinVar aggregate classification (germline): Uncertain significance. Review status: criteria provided, multiple submitters, no conflicts (2 of 4 stars). 5 submissions from 5 submitters: Uncertain significance (5). Last evaluated 2025-10-23.

Conditions:
ARPC1B-related disorder. Also called: ARPC1B-related condition.
Inborn genetic diseases. Identifiers: MedGen C0950123, MeSH D030342.

Allele frequency attached by ClinVar (database versions not stated): gnomAD exomes 0.00005 and 0.00006; ExAC 0.00006; gnomAD 0.00017 and 0.00018; TOPMed 0.00033; 1000 Genomes Project 30x 0.00078; 1000 Genomes Project 0.00100.
gnomAD v4.1: 118 of 1,613,610 alleles (0.0073%); highest among the groups gnomAD compares: Admixed American, 0.048%; no homozygotes.

Submissions (5):

Mayo Clinic Laboratories, Mayo Clinic
Classification: Uncertain significance. Last evaluated: 2025-10-23. Review status: criteria provided, single submitter. Criteria: ACMG Guidelines, 2015. Collection method: clinical testing. Allele origin: germline. Observed: 1 variant allele.
Comment: PP3, PM2_supporting

PreventionGenetics, part of Exact Sciences
Classification: Uncertain significance for ARPC1B-related condition. Last evaluated: 2025-10-03. Review status: criteria provided, single submitter. Criteria: ACMG Guidelines, 2015. Collection method: clinical testing. Allele origin: germline.
Comment: The ARPC1B c.499C>T variant is predicted to result in the amino acid substitution p.Arg167Trp. To our knowledge, this variant has not been reported in the literature. This variant is reported in 0.012% of alleles in individuals of Latino descent in gnomAD. At this time, the clinical significance of this variant is uncertain due to the absence of conclusive functional and genetic evidence.

Ambry Genetics
Classification: Uncertain significance for Inborn genetic diseases. Last evaluated: 2025-08-04. Review status: criteria provided, single submitter. Criteria: Ambry Variant Classification Scheme 2023. Collection method: clinical testing. Allele origin: germline.

Blueprint Genetics
Classification: Uncertain significance. Last evaluated: 2024-02-14. Review status: criteria provided, single submitter. Criteria: ACMG Guidelines, 2015. Collection method: clinical testing. Allele origin: germline.

Labcorp Genetics (formerly Invitae), Labcorp
Classification: Uncertain significance. Last evaluated: 2024-01-03. Review status: criteria provided, single submitter. Criteria: Invitae Variant Classification Sherloc (09022015). Collection method: clinical testing. Allele origin: germline.
Comment: This sequence change replaces arginine, which is basic and polar, with tryptophan, which is neutral and slightly polar, at codon 167 of the ARPC1B protein (p.Arg167Trp). This variant is present in population databases (rs190333133, gnomAD 0.01%). This variant has not been reported in the literature in individuals affected with ARPC1B-related conditions. ClinVar contains an entry for this variant (Variation ID: 1368889). An algorithm developed to predict the effect of missense changes on protein structure and function (PolyPhen-2) suggests that this variant is likely to be disruptive. In summary, the available evidence is currently insufficient to determine the role of this variant in disease. Therefore, it has been classified as a Variant of Uncertain Significance.

NM_005720.4(ARPC1B):c.499C>T (p.Arg167Trp)

Gene: ARPC1B (actin related protein 2/3 complex subunit 1B; plus strand). Cytogenetic location: 7q22.1.
Variant type: single nucleotide variant.
Coding change: c.499C>T on transcript NM_005720.4 (MANE Select); coding-DNA position 499, C replaced by T.
Protein change: p.Arg167Trp; replaces arginine 167 with tryptophan.
Molecular consequence: missense variant.
Genome position (GRCh38, 1-based): chr7:99,390,011, C>T. VCF-style: chr7-99390011-C-T. GRCh37 (hg19) VCF-style: chr7-98987634-C-T.
Other names: p.Arg167Trp; c.499C>T (NM_005720.3); short protein forms R167W.
Identifiers: ClinVar variation 1368889 (VCV001368889.8), dbSNP rs190333133, ClinGen allele CA4364024.